The following is an entry in ClinVar:

NM_000155.4(GALT):c.980T>C (p.Leu327Pro)

Gene: GALT (galactose-1-phosphate uridylyltransferase; plus strand). Cytogenetic location: 9p13.3.
Variant type: single nucleotide variant.
Coding change: c.980T>C on transcript NM_000155.4 (MANE Select); coding-DNA position 980, T replaced by C.
Protein change: p.Leu327Pro; replaces leucine 327 with proline.
Molecular consequence: missense variant.
Genome position (GRCh38, 1-based): chr9:34,649,485, T>C. VCF-style: chr9-34649485-T-C. GRCh37 (hg19) VCF-style: chr9-34649482-T-C.
Other names: c.653T>C, p.Leu218Pro (NM_001258332.2); short protein forms L218P.
Identifiers: ClinVar variation 2735273 (VCV002735273.3), dbSNP rs111033832, ClinGen allele CA259557.

ClinVar aggregate classification (germline): Likely pathogenic (1 of 4 stars; one submission).

Conditions:
Deficiency of UDPglucose-hexose-1-phosphate uridylyltransferase. Also called: Transferase Deficiency Galactosemia; GALACTOSE-1-PHOSPHATE URIDYLYLTRANSFERASE DEFICIENCY; GALACTOSEMIA I; GALT deficiency; Galactosemia, classic. Identifiers: Orphanet 352, Orphanet 79239, MedGen C0268151, MONDO:0009258, OMIM 230400.

Submission:

Labcorp Genetics (formerly Invitae), Labcorp
Classification: Likely pathogenic for Deficiency of UDPglucose-hexose-1-phosphate uridylyltransferase. Last evaluated: 2024-01-31. Review status: criteria provided, single submitter. Criteria: Invitae Variant Classification Sherloc (09022015). Collection method: clinical testing. Allele origin: germline.
Comment: This sequence change replaces leucine, which is neutral and non-polar, with proline, which is neutral and non-polar, at codon 327 of the GALT protein (p.Leu327Pro). This variant is not present in population databases (gnomAD no frequency). This missense change has been observed in individual(s) with galactosemia (PMID: 22461411). Advanced modeling of protein sequence and biophysical properties (such as structural, functional, and spatial information, amino acid conservation, physicochemical variation, residue mobility, and thermodynamic stability) performed at Invitae indicates that this missense variant is expected to disrupt GALT protein function with a positive predictive value of 95%. Experimental studies have shown that this missense change affects GALT function (PMID: 22461411). In summary, the currently available evidence indicates that the variant is pathogenic, but additional data are needed to prove that conclusively. Therefore, this variant has been classified as Likely Pathogenic.

Literature cited by the submitters: PubMed 22461411.